The following is an entry in ClinVar:

ClinVar aggregate classification (germline): Uncertain significance (1 of 4 stars; one submission).

Allele frequency attached by ClinVar (database versions not stated): TOPMed below 0.00001; gnomAD 0.00001.
gnomAD v4.1: 7 of 1,593,016 alleles (0.00044%); highest among the groups gnomAD compares: Non-Finnish European, 0.00051%; no homozygotes.

Submission:

Labcorp Genetics (formerly Invitae), Labcorp
Classification: Uncertain significance. Last evaluated: 2026-01-19. Review status: criteria provided, single submitter. Criteria: Invitae Variant Classification Sherloc (09022015). Collection method: clinical testing. Allele origin: germline.
Comment: This sequence change creates a premature translational stop signal (p.Arg745*) in the KCNH1 gene. While this is not anticipated to result in nonsense mediated decay, it is expected to disrupt the last 245 amino acid(s) of the KCNH1 protein. This variant is present in population databases (no rsID available, gnomAD 0.0008%). This premature translational stop signal has been observed in individual(s) with clinical features of KCNH1-related conditions (PMID: 31175295). ClinVar contains an entry for this variant (Variation ID: 1403353). Experimental studies and prediction algorithms are not available or were not evaluated, and the functional significance of this variant is currently unknown. In summary, the available evidence is currently insufficient to determine the role of this variant in disease. Therefore, it has been classified as a Variant of Uncertain Significance.

Literature cited by the submitters: PubMed 31175295.

NM_172362.3(KCNH1):c.2233C>T (p.Arg745Ter)

Gene: KCNH1 (potassium voltage-gated channel subfamily H member 1; minus strand). Cytogenetic location: 1q32.2.
Variant type: single nucleotide variant.
Coding change: c.2233C>T on transcript NM_172362.3 (MANE Select); coding-DNA position 2233, C replaced by T.
Protein change: p.Arg745Ter; replaces arginine 745 with a stop codon.
Molecular consequence: nonsense.
Genome position (GRCh38, 1-based): chr1:210,684,018, G>A on the plus strand (C>T on the coding strand, the complement: KCNH1 is on the minus strand). VCF-style: chr1-210684018-G-A. GRCh37 (hg19) VCF-style: chr1-210857360-G-A.
Other names: c.2152C>T, p.Arg718Ter (NM_002238.4); short protein forms R745*, R718*.
Identifiers: ClinVar variation 1403353 (VCV001403353.6), dbSNP rs1385878367, ClinGen allele CA344871592.
Genomic context (GRCh38, chr1:210,684,018, plus strand): 5'-CTAGGTCATCCAGGTCCCGGCCCCCTCTCTCAGCTGCCAGCCTGGCCTCTTTCTGCTGTC[G>A]GAATCTCTGGAAGAGGCGCCGGACAGGGTGGTCCGGGGGCAAGATCAGGGGGGCCTCATT-3'